The following is an entry in ClinVar:

NM_019594.4(LRRC8A):c.2118C>G (p.Leu706=)

Gene: LRRC8A (leucine rich repeat containing 8 VRAC subunit A; plus strand). Cytogenetic location: 9q34.11.
Variant type: single nucleotide variant.
Coding change: c.2118C>G on transcript NM_019594.4 (MANE Select); coding-DNA position 2118, C replaced by G.
Protein change: p.Leu706=; no amino-acid change (leucine 706 retained).
Molecular consequence: synonymous variant.
Genome position (GRCh38, 1-based): chr9:128,909,282, C>G. VCF-style: chr9-128909282-C-G. GRCh37 (hg19) VCF-style: chr9-131671561-C-G.
Other names: c.2118C>G, p.Leu706= (NM_001127244.2, NM_001127245.2); c.2118C>G (NM_019594.3).
Identifiers: ClinVar variation 810955 (VCV000810955.23), dbSNP rs35266233, ClinGen allele CA5270995.

ClinVar aggregate classification (germline): Benign. Review status: criteria provided, multiple submitters, no conflicts (2 of 4 stars). 4 submissions from 4 submitters: Benign (3). 1 of the submissions does not count toward it. Last evaluated 2026-02-03.

Conditions:
LRRC8A-related disorder. Also called: LRRC8A-related condition.
Agammaglobulinemia 5, autosomal dominant (AGM5). Also called: AGAMMAGLOBULINEMIA, AUTOSOMAL DOMINANT, DUE TO LRRC8A DEFECT. Identifiers: MedGen C3150753, MONDO:0013290, OMIM 613506.

Allele frequency attached by ClinVar (database versions not stated): ESP Exome Variant Server 0.01492; ExAC 0.01590; 1000 Genomes Project 0.00519; 1000 Genomes Project 30x 0.00578; TOPMed 0.01108; gnomAD 0.01414 and 0.01461.
gnomAD v4.1: 30,013 of 1,613,838 alleles (1.9%); highest among the groups gnomAD compares: Non-Finnish European, 2.1%; 354 homozygotes.

Submissions (4):

Labcorp Genetics (formerly Invitae), Labcorp
Classification: Benign. Last evaluated: 2026-02-03. Review status: criteria provided, single submitter. Criteria: Invitae Variant Classification Sherloc (09022015). Collection method: clinical testing. Allele origin: germline.

ARUP Laboratories, Molecular Genetics and Genomics, ARUP Laboratories
Classification: Benign for Agammaglobulinemia 5, autosomal dominant. Last evaluated: 2023-11-11. Review status: criteria provided, single submitter. Criteria: ARUP Molecular Germline Variant Investigation Process 2024. Collection method: clinical testing. Allele origin: germline.

Breakthrough Genomics
Classification: Benign. Review status: criteria provided, single submitter. Criteria: ACMG Guidelines, 2015. Collection method: not provided. Allele origin: germline. Inheritance: Autosomal dominant inheritance. Affected: yes.

PreventionGenetics, part of Exact Sciences
Classification: Benign for LRRC8A-related condition. Last evaluated: 2020-02-04. Review status: no assertion criteria provided. Collection method: clinical testing. Allele origin: germline. Not counted in ClinVar's aggregate classification.
Comment: This variant is classified as benign based on ACMG/AMP sequence variant interpretation guidelines (Richards et al. 2015 PMID: 25741868, with internal and published modifications).